The following is an entry in ClinVar:

ClinVar aggregate classification (germline): Uncertain significance. Review status: criteria provided, multiple submitters, no conflicts (2 of 4 stars). 2 submissions from 2 submitters: Uncertain significance (2). Last evaluated 2024-02-02.

Conditions:
Choanal atresia-athelia-hypothyroidism-delayed puberty-short stature syndrome (BCAHH). Also called: BRANCHIAL ARCH ABNORMALITIES, CHOANAL ATRESIA, ATHELIA, HEARING LOSS, AND HYPOTHYROIDISM SYNDROME. Identifiers: Orphanet 589856, MedGen C5680310, MONDO:0035651, OMIM 620186.
Kabuki syndrome 1 (KABUK1). Also called: KMT2D-Related Kabuki Syndrome. Identifiers: Orphanet 2322, MedGen CN030661, MONDO:0007843, OMIM 147920.
Kabuki syndrome. Also called: NIIKAWA-KUROKI SYNDROME; Kabuki make-up syndrome. Identifiers: Orphanet 2322, MedGen C0796004, MONDO:0016512.

Submissions (2):

Labcorp Genetics (formerly Invitae), Labcorp
Classification: Uncertain significance for Kabuki syndrome. Last evaluated: 2024-02-02. Review status: criteria provided, single submitter. Criteria: Invitae Variant Classification Sherloc (09022015). Collection method: clinical testing. Allele origin: germline.
Comment: This sequence change replaces threonine, which is neutral and polar, with isoleucine, which is neutral and non-polar, at codon 4350 of the KMT2D protein (p.Thr4350Ile). This variant is not present in population databases (gnomAD no frequency). This variant has not been reported in the literature in individuals affected with KMT2D-related conditions. Advanced modeling of protein sequence and biophysical properties (such as structural, functional, and spatial information, amino acid conservation, physicochemical variation, residue mobility, and thermodynamic stability) performed at Invitae indicates that this missense variant is not expected to disrupt KMT2D protein function with a negative predictive value of 95%. In summary, the available evidence is currently insufficient to determine the role of this variant in disease. Therefore, it has been classified as a Variant of Uncertain Significance.

Fulgent Genetics
Classification: Uncertain significance for Kabuki syndrome 1; Choanal atresia-athelia-hypothyroidism-delayed puberty-short stature syndrome. Last evaluated: 2024-01-18. Review status: criteria provided, single submitter. Criteria: ACMG Guidelines, 2015. Collection method: clinical testing. Allele origin: germline.

NM_003482.4(KMT2D):c.13049C>T (p.Thr4350Ile)

Gene: KMT2D (lysine methyltransferase 2D; minus strand). Cytogenetic location: 12q13.12.
Variant type: single nucleotide variant.
Coding change: c.13049C>T on transcript NM_003482.4 (MANE Select); coding-DNA position 13049, C replaced by T.
Protein change: p.Thr4350Ile; replaces threonine 4350 with isoleucine.
Molecular consequence: missense variant.
Genome position (GRCh38, 1-based): chr12:49,031,656, G>A on the plus strand (C>T on the coding strand, the complement: KMT2D is on the minus strand). VCF-style: chr12-49031656-G-A. GRCh37 (hg19) VCF-style: chr12-49425439-G-A.
Other names: short protein forms T4350I.
Identifiers: ClinVar variation 2772564 (VCV002772564.4), dbSNP rs1942916618, ClinGen allele CA384707737.